The following is an entry in ClinVar:

NM_001039469.3(MARK2):c.812del (p.Phe271fs)

Gene: MARK2 (microtubule affinity regulating kinase 2; plus strand). Cytogenetic location: 11q13.1.
Variant type: Deletion.
Coding change: c.812del on transcript NM_001039469.3 (MANE Select); coding-DNA position 812, one base deleted (T; older notation c.812delT).
Protein change: p.Phe271fs; shifts the reading frame from phenylalanine 271.
Molecular consequence: frameshift variant.
Genome position (GRCh38, 1-based): chr11:63,900,602, T deleted; the last of 2 consecutive T bases (chr11:63,900,601-63,900,602); deleting either gives the same sequence. VCF-style (leftmost placement, unchanged base first): chr11-63900600-AT-A. GRCh37 (hg19) VCF-style: chr11-63668072-AT-A.
Other names: c.812delT (NM_001039469.3); c.812del, p.Phe271fs (NM_001163296.2, NM_001163297.2, NM_004954.5); c.713del, p.Phe238fs (NM_017490.4); short protein forms F238fs, F271fs.
Identifiers: ClinVar variation 3253625 (VCV003253625.3), dbSNP rs2539321295.

ClinVar aggregate classification (germline): Pathogenic. Review status: no assertion criteria provided (0 of 4 stars). 2 submissions from 2 submitters: Pathogenic (2). Last evaluated 2025-07-25.

Conditions:
Intellectual developmental disorder, autosomal dominant 76. Identifiers: MedGen C6012756, MONDO:0979575, OMIM 621285.
Autism spectrum disorder. Also called: Autism spectrum disorders. Identifiers: MedGen C1510586, MeSH D000067877, MONDO:0005258.

Submissions (2):

OMIM
Classification: Pathogenic for INTELLECTUAL DEVELOPMENTAL DISORDER, AUTOSOMAL DOMINANT 76. Last evaluated: 2025-07-25. Review status: no assertion criteria provided. Collection method: literature only. Allele origin: germline.

Department of Medical Genetics, Capital Institute of Pediatrics
Classification: Pathogenic for Autism Spectrum Disorder. Last evaluated: 2024-07-03. Review status: no assertion criteria provided. Collection method: research. Allele origin: de novo. Affected: yes.
Comment: PVS1+PM2_Supporting+PS2

Literature cited by the submitters: PubMed 39419027 (cited by OMIM and Department of Medical Genetics, Capital Institute of Pediatrics).